The following is an entry in ClinVar:

ClinVar aggregate classification (germline): Uncertain significance. Review status: criteria provided, multiple submitters, no conflicts (2 of 4 stars). 2 submissions from 2 submitters: Uncertain significance (2). Last evaluated 2025-12-01.

Submissions (2):

CeGaT Center for Human Genetics Tuebingen
Classification: Uncertain significance. Last evaluated: 2025-12-01. Review status: criteria provided, single submitter. Criteria: CeGaT Center For Human Genetics Tuebingen Variant Classification Criteria Version 2. Collection method: clinical testing. Allele origin: germline. Affected: yes. Observed: 1 variant allele.
Comment: SOX5: PM2, PP3

GeneDx
Classification: Uncertain significance. Last evaluated: 2020-07-06. Review status: criteria provided, single submitter. Criteria: GeneDx Variant Classification Process June 2021. Collection method: clinical testing. Allele origin: germline. Affected: yes.
Comment: Not observed in large population cohorts (Lek et al., 2016); In silico analysis, which includes protein predictors and evolutionary conservation, supports a deleterious effect; Has not been previously published as pathogenic or benign to our knowledge

NM_006940.6(SOX5):c.817G>A (p.Gly273Ser)

Gene: SOX5 (SRY-box transcription factor 5; minus strand). Cytogenetic location: 12p12.1.
Variant type: single nucleotide variant.
Coding change: c.817G>A on transcript NM_006940.6 (MANE Select); coding-DNA position 817, G replaced by A.
Protein change: p.Gly273Ser; replaces glycine 273 with serine.
Molecular consequence: missense variant.
Genome position (GRCh38, 1-based): chr12:23,665,558, C>T on the plus strand (G>A on the coding strand, the complement: SOX5 is on the minus strand). VCF-style: chr12-23665558-C-T. GRCh37 (hg19) VCF-style: chr12-23818492-C-T.
Other names: c.778G>A, p.Gly260Ser (NM_001261414.3, NM_152989.5); c.787G>A, p.Gly263Ser (NM_001261415.3); c.712G>A, p.Gly238Ser (NM_001330785.2); short protein forms G238S, G260S, G263S, G273S.
Identifiers: ClinVar variation 1309981 (VCV001309981.7), dbSNP rs2139425964, ClinGen allele CA384318439.